The following is an entry in ClinVar:

NM_001458.5(FLNC):c.7679T>C (p.Val2560Ala)

Genes: FLNC (filamin C; plus strand), FLNC-AS1 (FLNC antisense RNA 1; minus strand). Cytogenetic location: 7q32.1.
Variant type: single nucleotide variant.
Coding change: c.7679T>C on transcript NM_001458.5 (MANE Select); coding-DNA position 7679, T replaced by C.
Protein change: p.Val2560Ala; replaces valine 2560 with alanine.
Molecular consequence: missense variant.
Genome position (GRCh38, 1-based): chr7:128,857,235, T>C. VCF-style: chr7-128857235-T-C. GRCh37 (hg19) VCF-style: chr7-128497289-T-C.
Other names: c.7580T>C, p.Val2527Ala (NM_001127487.2); short protein forms V2560A, V2527A.
Identifiers: ClinVar variation 648299 (VCV000648299.9), dbSNP rs931678640, ClinGen allele CA166195470.
Genomic context (GRCh38, chr7:128,857,235, plus strand): 5'-TCACCATTGATGGCCCCTCCAAGGTGCAGCTGGACTGTCGGGAGTGTCCTGAGGGCCATG[T>C]GGTCACTTATACTCCCATGGCCCCTGGCAACTACCTCATTGCCATCAAGTACGGTGGCCC-3'
Protein context (NP_001449.3, residues 2550-2570): LDCRECPEGH[Val2560Ala]VTYTPMAPGN

ClinVar aggregate classification (germline): Uncertain significance (1 of 4 stars; one submission).

Conditions:
Hypertrophic cardiomyopathy 26. Also called: Cardiomyopathy, familial hypertrophic, 26. Identifiers: Orphanet 75249, MedGen C4310749, MONDO:0014883, OMIM 617047.
Myofibrillar myopathy 5. Also called: Filaminopathy (type); FILAMINOPATHY, AUTOSOMAL DOMINANT. Identifiers: Orphanet 171445, MedGen C1836050, MONDO:0012289, OMIM 609524.
Distal myopathy with posterior leg and anterior hand involvement. Also called: WILLIAMS DISTAL MYOPATHY. Identifiers: Orphanet 63273, MedGen C3279722, MONDO:0013550, OMIM 614065.

Allele frequency attached by ClinVar (database versions not stated): gnomAD exomes below 0.00001; TOPMed 0.00001.
gnomAD v4.1: 2 of 1,613,992 alleles (0.00012%); highest among the groups gnomAD compares: Non-Finnish European, 0.00017%; no homozygotes.

Submission:

Labcorp Genetics (formerly Invitae), Labcorp
Classification: Uncertain significance for Distal myopathy with posterior leg and anterior hand involvement; Myofibrillar myopathy 5; Hypertrophic cardiomyopathy 26. Last evaluated: 2024-06-04. Review status: criteria provided, single submitter. Criteria: Invitae Variant Classification Sherloc (09022015). Collection method: clinical testing. Allele origin: germline.
Comment: This sequence change replaces valine, which is neutral and non-polar, with alanine, which is neutral and non-polar, at codon 2560 of the FLNC protein (p.Val2560Ala). This variant is not present in population databases (gnomAD no frequency). This variant has not been reported in the literature in individuals affected with FLNC-related conditions. ClinVar contains an entry for this variant (Variation ID: 648299). Advanced modeling of protein sequence and biophysical properties (such as structural, functional, and spatial information, amino acid conservation, physicochemical variation, residue mobility, and thermodynamic stability) performed at Invitae indicates that this missense variant is not expected to disrupt FLNC protein function with a negative predictive value of 95%. In summary, the available evidence is currently insufficient to determine the role of this variant in disease. Therefore, it has been classified as a Variant of Uncertain Significance.